The following is an entry in ClinVar:

NM_014297.5(ETHE1):c.236A>T (p.His79Leu)

Gene: ETHE1 (ETHE1 persulfide dioxygenase; minus strand). Cytogenetic location: 19q13.31.
Variant type: single nucleotide variant.
Coding change: c.236A>T on transcript NM_014297.5 (MANE Select); coding-DNA position 236, A replaced by T.
Protein change: p.His79Leu; replaces histidine 79 with leucine.
Molecular consequence: missense variant. On other transcripts: intron variant (3).
Genome position (GRCh38, 1-based): chr19:43,526,340, T>A on the plus strand (A>T on the coding strand, the complement: ETHE1 is on the minus strand). VCF-style: chr19-43526340-T-A. GRCh37 (hg19) VCF-style: chr19-44030492-T-A.
Other names: c.81+757A>T (NM_001320869.2); c.6+175A>T (NM_001320868.2); c.227-24A>T (NM_001320867.2); short protein forms H79L.
Identifiers: ClinVar variation 1805614 (VCV001805614.1), dbSNP rs778409766, ClinGen allele CA406180078.

ClinVar aggregate classification (germline): Uncertain significance (1 of 4 stars; one submission).

Conditions:
Ethylmalonic encephalopathy (EE). Also called: EPEMA syndrome; Encephalopathy, petechiae, and ethylmalonic aciduria; Syndrome of encephalopathy, petechiae, and ethylmalonic aciduria. Identifiers: Orphanet 51188, MedGen C1865349, MONDO:0011229, OMIM 602473. Disease mechanism: loss of function.

Allele frequency attached by ClinVar (database versions not stated): TOPMed below 0.00001.

Submission:

Victorian Clinical Genetics Services, Murdoch Childrens Research Institute
Classification: Uncertain significance for Ethylmalonic encephalopathy. Last evaluated: 2022-03-31. Review status: criteria provided, single submitter. Criteria: ACMG Guidelines, 2015. Collection method: clinical testing. Allele origin: germline. Inheritance: Autosomal recessive inheritance. Affected: yes.
Comment: Based on the classification scheme VCGS_Germline_v1.3.4, this variant is classified as VUS-3B. Following criteria are met: 0106 - This gene is associated with autosomal recessive disease. (I) 0102 - Loss of function is a known mechanism of disease in this gene and is associated with ethylmalonic encephalopathy (MIM#602473). (I) 0200 - Variant is predicted to result in a missense amino acid change from histidine to leucine. (I) 0251 - This variant is heterozygous. (I) 0301 - Variant is absent from gnomAD (both v2 and v3). (SP) 0309 - An alternative amino acid change at the same position has been observed in gnomAD (v2) (2 heterozygotes, 0 homozygotes). (I) 0501 - Missense variant consistently predicted to be damaging by multiple in silico tools or highly conserved with a major amino acid change. (SP) 0601 - Variant is located in the metallo-beta-lactamase superfamily (Lactamase_B) domain. This residue is a metal ion-binding site and has been shown to be involved in p53 acetylation (PMID: 25596185; PMID: 17353187). (SP) 0705 - No comparable missense variants have previous evidence for pathogenicity. (I) 0807 - This variant has no previous evidence of pathogenicity. (I) 0905 - No published segregation evidence has been identified for this variant. (I) 1007 - No published functional evidence has been identified for this variant. (I) 1208 - Inheritance information for this variant is not currently available in this individual. (I)

Literature cited by the submitters: PubMed 17353187; PubMed 25596185.